The following is an entry in ClinVar:

ClinVar aggregate classification (germline): Uncertain significance. Review status: criteria provided, multiple submitters, no conflicts (2 of 4 stars). 2 submissions from 2 submitters: Uncertain significance (2). Last evaluated 2026-05-10.

Conditions:
Nephronophthisis 9 (NPHP9). Identifiers: Orphanet 655, MedGen C3151188, MONDO:0013444, OMIM 613824.
NEK8-related disorder. Also called: NEK8-related condition.

Allele frequency attached by ClinVar (database versions not stated): gnomAD exomes below 0.00001; ExAC 0.00001.
gnomAD v4.1: 2 of 1,613,446 alleles (0.00012%); highest among the groups gnomAD compares: Admixed American, 0.0033%; no homozygotes.

Submissions (2):

PreventionGenetics, part of Exact Sciences
Classification: Uncertain significance for NEK8-related condition. Last evaluated: 2026-05-10. Review status: criteria provided, single submitter. Criteria: ACMG Guidelines, 2015. Collection method: clinical testing. Allele origin: germline.
Comment: The NEK8 c.437G>T variant is predicted to result in the amino acid substitution p.Gly146Val. To our knowledge, this variant has not been reported in the literature. This variant is reported in 0.0029% of alleles in individuals of Latino descent in gnomAD. At this time, the clinical significance of this variant is uncertain due to the absence of conclusive functional and genetic evidence.

Labcorp Genetics (formerly Invitae), Labcorp
Classification: Uncertain significance for Nephronophthisis 9. Last evaluated: 2022-02-09. Review status: criteria provided, single submitter. Criteria: Invitae Variant Classification Sherloc (09022015). Collection method: clinical testing. Allele origin: germline.
Comment: In summary, the available evidence is currently insufficient to determine the role of this variant in disease. Therefore, it has been classified as a Variant of Uncertain Significance. Algorithms developed to predict the effect of missense changes on protein structure and function (SIFT, PolyPhen-2, Align-GVGD) all suggest that this variant is likely to be disruptive. This variant has not been reported in the literature in individuals affected with NEK8-related conditions. This variant is present in population databases (rs770564532, gnomAD 0.003%). This sequence change replaces glycine, which is neutral and non-polar, with valine, which is neutral and non-polar, at codon 146 of the NEK8 protein (p.Gly146Val).

NM_178170.3(NEK8):c.437G>T (p.Gly146Val)

Gene: NEK8 (NIMA related kinase 8; plus strand). Cytogenetic location: 17q11.2.
Variant type: single nucleotide variant.
Coding change: c.437G>T on transcript NM_178170.3 (MANE Select); coding-DNA position 437, G replaced by T.
Protein change: p.Gly146Val; replaces glycine 146 with valine.
Molecular consequence: missense variant.
Genome position (GRCh38, 1-based): chr17:28,734,955, G>T. VCF-style: chr17-28734955-G-T. GRCh37 (hg19) VCF-style: chr17-27061973-G-T.
Other names: c.437G>T (NM_178170.2); short protein forms G146V.
Identifiers: ClinVar variation 1446527 (VCV001446527.7), dbSNP rs770564532, ClinGen allele CA8467085.
Genomic context (GRCh38, chr17:28,734,955, plus strand): 5'-ACCGAGACCTCAAGACCCAGAACATCCTGCTTGACAAACACCGCATGGTCGTCAAGATCG[G>T]TGATTTCGGCATCTCCAAGATCCTTAGCAGCAAGAGCAAGGCCTACACGGTGCCTGGGCA-3'
Protein context (NP_835464.1, residues 136-156): LDKHRMVVKI[Gly146Val]DFGISKILSS